The following is an entry in ClinVar:

NM_003839.4(TNFRSF11A):c.446C>T (p.Thr149Ile)

Gene: TNFRSF11A (TNF receptor superfamily member 11a; plus strand). Cytogenetic location: 18q21.33.
Variant type: single nucleotide variant.
Coding change: c.446C>T on transcript NM_003839.4 (MANE Select); coding-DNA position 446, C replaced by T.
Protein change: p.Thr149Ile; replaces threonine 149 with isoleucine.
Molecular consequence: missense variant. On other transcripts: intron variant (1).
Genome position (GRCh38, 1-based): chr18:62,358,266, C>T. VCF-style: chr18-62358266-C-T. GRCh37 (hg19) VCF-style: chr18-60025499-C-T.
Other names: c.446C>T, p.Thr149Ile (NM_001270949.2, NM_001270950.2, NM_001270951.2); c.428-24C>T (NM_001278268.2); short protein forms T149I.
Identifiers: ClinVar variation 4771141 (VCV004771141.1).
Genomic context (GRCh38, chr18:62,358,266, plus strand): 5'-TGTTTGTTCTGTCTGGGTTGTTTTTTTTTTTTTTTCTCACAGTGCAGCTCAACAAGGACA[C>T]AGTGTGCAAACCTTGCCTTGCAGGCTACTTCTCTGATGCCTTTTCCTCCACGGACAAATG-3'
Protein context (NP_003830.1, residues 139-159): AQHPLQLNKD[Thr149Ile]VCKPCLAGYF

ClinVar aggregate classification (germline): Uncertain significance (1 of 4 stars; one submission).

Submission:

Labcorp Genetics (formerly Invitae), Labcorp
Classification: Uncertain significance. Last evaluated: 2025-08-03. Review status: criteria provided, single submitter. Criteria: Invitae Variant Classification Sherloc (09022015). Collection method: clinical testing. Allele origin: germline.
Comment: This sequence change replaces threonine, which is neutral and polar, with isoleucine, which is neutral and non-polar, at codon 149 of the TNFRSF11A protein (p.Thr149Ile). This variant is not present in population databases (gnomAD no frequency). This variant has not been reported in the literature in individuals affected with TNFRSF11A-related conditions. Invitae Evidence Modeling of protein sequence and biophysical properties (such as structural, functional, and spatial information, amino acid conservation, physicochemical variation, residue mobility, and thermodynamic stability) indicates that this missense variant is expected to disrupt TNFRSF11A protein function with a positive predictive value of 80%. In summary, the available evidence is currently insufficient to determine the role of this variant in disease. Therefore, it has been classified as a Variant of Uncertain Significance.